The following is an entry in ClinVar:

NM_001243279.3(ACSF3):c.978-5C>A

Genes: ACSF3 (acyl-CoA synthetase family member 3; plus strand), LOC125177393 (P300/CBP strongly-dependent group 1 enhancer GRCh37_chr16:89180375-89181574; plus strand). Cytogenetic location: 16q24.3.
Variant type: single nucleotide variant.
Coding change: c.978-5C>A on transcript NM_001243279.3 (MANE Select); 5 bases into the intron before coding-DNA position 978, C replaced by A.
Molecular consequence: intron variant.
Genome position (GRCh38, 1-based): chr16:89,114,334, C>A. VCF-style: chr16-89114334-C-A. GRCh37 (hg19) VCF-style: chr16-89180742-C-A.
Other names: c.978-5C>A (NM_001127214.4, NM_174917.5); c.183-5C>A (NM_001284316.2).
Identifiers: ClinVar variation 3353002 (VCV003353002.1).

ClinVar aggregate classification (germline): Uncertain significance (0 of 4 stars; one submission).

Conditions:
ACSF3-related disorder. Also called: ACSF3-related condition.

gnomAD v4.1: 4 of 1,613,980 alleles (0.00025%); highest among the groups gnomAD compares: South Asian, 0.0044%; no homozygotes.

Submission:

PreventionGenetics, part of Exact Sciences
Classification: Uncertain significance for ACSF3-related condition. Last evaluated: 2024-06-03. Review status: no assertion criteria provided. Collection method: clinical testing. Allele origin: germline.
Comment: The ACSF3 c.978-5C>A variant is predicted to interfere with splicing. To our knowledge, this variant has not been reported in the literature. This variant is reported in 0.0033% of alleles in individuals of South Asian descent in gnomAD. At this time, the clinical significance of this variant is uncertain due to the absence of conclusive functional and genetic evidence.